The following is an entry in ClinVar:

NM_016529.6(ATP8A2):c.2453C>G (p.Ala818Gly)

Gene: ATP8A2 (ATPase phospholipid transporting 8A2). Cytogenetic location: 13q12.13.
Variant type: single nucleotide variant.
Coding change: c.2453C>G on transcript NM_016529.6 (MANE Select); coding-DNA position 2453, C replaced by G.
Protein change: p.Ala818Gly; replaces alanine 818 with glycine.
Molecular consequence: missense variant.
Genome position (GRCh38, 1-based): chr13:25,769,114, C>G. VCF-style: chr13-25769114-C-G. GRCh37 (hg19) VCF-style: chr13-26343252-C-G.
Other names: c.2333C>G, p.Ala778Gly (NM_001313741.1); c.2453C>G, p.Ala818Gly (NM_001411005.1, NM_001411006.1); short protein forms A778G, A818G.
Identifiers: ClinVar variation 1948066 (VCV001948066.2), dbSNP rs2044560444, ClinGen allele CA387681151.
Genomic context (GRCh38, chr13:25,769,114, plus strand): 5'-CTCTGCAGAAGTCTGAGATAGTGGATGTGGTGAAGAAGCGGGTGAAGGCCATCACCCTCG[C>G]CATCGGAGACGGCGCCAACGATGTCGGGATGATCCAGACAGCCCACGTGGGTGTGGGAAT-3'
Protein context (NP_057613.4, residues 808-828): VKKRVKAITL[Ala818Gly]IGDGANDVGM

ClinVar aggregate classification (germline): Uncertain significance (1 of 4 stars; one submission).

Allele frequency attached by ClinVar (database versions not stated): TOPMed below 0.00001.

Submission:

Labcorp Genetics (formerly Invitae), Labcorp
Classification: Uncertain significance. Last evaluated: 2022-10-17. Review status: criteria provided, single submitter. Criteria: Invitae Variant Classification Sherloc (09022015). Collection method: clinical testing. Allele origin: germline.
Comment: This sequence change replaces alanine, which is neutral and non-polar, with glycine, which is neutral and non-polar, at codon 818 of the ATP8A2 protein (p.Ala818Gly). This variant is not present in population databases (gnomAD no frequency). This variant has not been reported in the literature in individuals affected with ATP8A2-related conditions. Advanced modeling of protein sequence and biophysical properties (such as structural, functional, and spatial information, amino acid conservation, physicochemical variation, residue mobility, and thermodynamic stability) performed at Invitae indicates that this missense variant is not expected to disrupt ATP8A2 protein function. In summary, the available evidence is currently insufficient to determine the role of this variant in disease. Therefore, it has been classified as a Variant of Uncertain Significance.